The following is an entry in ClinVar:

NM_002184.4(IL6ST):c.2732G>A (p.Arg911Gln)

Gene: IL6ST (interleukin 6 cytokine family signal transducer; minus strand). Cytogenetic location: 5q11.2.
Variant type: single nucleotide variant.
Coding change: c.2732G>A on transcript NM_002184.4 (MANE Select); coding-DNA position 2732, G replaced by A.
Protein change: p.Arg911Gln; replaces arginine 911 with glutamine.
Molecular consequence: missense variant. On other transcripts: 3 prime UTR variant (1), non-coding transcript variant (2).
Genome position (GRCh38, 1-based): chr5:55,941,107, C>T on the plus strand (G>A on the coding strand, the complement: IL6ST is on the minus strand). VCF-style: chr5-55941107-C-T. GRCh37 (hg19) VCF-style: chr5-55236935-C-T.
Other names: c.2549G>A, p.Arg850Gln (NM_001190981.2); c.2630G>A, p.Arg877Gln (NM_001364275.2); c.2522G>A, p.Arg841Gln (NM_001364276.2); c.1865G>A, p.Arg622Gln (NM_001364277.2); c.1829G>A, p.Arg610Gln (NM_001364278.2); c.1736G>A, p.Arg579Gln (NM_001364279.2); c.*1659G>A (NM_175767.3); short protein forms R579Q, R877Q, R610Q, R622Q, R911Q, R841Q, R850Q.
Identifiers: ClinVar variation 1505497 (VCV001505497.8), dbSNP rs980710504, ClinGen allele CA119065178.

ClinVar aggregate classification (germline): Uncertain significance (1 of 4 stars; one submission).

Allele frequency attached by ClinVar (database versions not stated): gnomAD exomes below 0.00001 and 0.00001; TOPMed below 0.00001.
gnomAD v4.1: 14 of 1,613,500 alleles (0.00087%); highest among the groups gnomAD compares: Non-Finnish European, 0.0012%; no homozygotes.

Submission:

Labcorp Genetics (formerly Invitae), Labcorp
Classification: Uncertain significance. Last evaluated: 2025-08-28. Review status: criteria provided, single submitter. Criteria: Invitae Variant Classification Sherloc (09022015). Collection method: clinical testing. Allele origin: germline.
Comment: This sequence change replaces arginine, which is basic and polar, with glutamine, which is neutral and polar, at codon 911 of the IL6ST protein (p.Arg911Gln). This variant is not present in population databases (gnomAD no frequency). This variant has not been reported in the literature in individuals affected with IL6ST-related conditions. ClinVar contains an entry for this variant (Variation ID: 1505497). An algorithm developed to predict the effect of missense changes on protein structure and function (PolyPhen-2) suggests that this variant is likely to be disruptive. In summary, the available evidence is currently insufficient to determine the role of this variant in disease. Therefore, it has been classified as a Variant of Uncertain Significance.